The following is an entry in ClinVar:

ClinVar aggregate classification (germline): Uncertain significance. Review status: criteria provided, multiple submitters, no conflicts (2 of 4 stars). 3 submissions from 3 submitters: Uncertain significance (3). Last evaluated 2026-08-19.

Allele frequency attached by ClinVar (database versions not stated): gnomAD exomes 0.00002 and 0.00003; TOPMed 0.00002; gnomAD 0.00001; ExAC 0.00004.
gnomAD v4.1: 27 of 1,614,218 alleles (0.0017%); highest among the groups gnomAD compares: Admixed American, 0.005%; no homozygotes.

Submissions (3):

GeneDx
Classification: Uncertain significance. Last evaluated: 2026-08-19. Review status: criteria provided, single submitter. Criteria: GeneDx Variant Classification Process June 2021. Collection method: clinical testing. Allele origin: germline.
Comment: Not observed at significant frequency in large population cohorts (gnomAD); In silico analysis supports that this missense variant has a deleterious effect on protein structure/function; Has not been previously published as pathogenic or benign to our knowledge

Blueprint Genetics
Classification: Uncertain significance. Last evaluated: 2024-08-05. Review status: criteria provided, single submitter. Criteria: ACMG Guidelines, 2015. Collection method: clinical testing. Allele origin: germline.

Labcorp Genetics (formerly Invitae), Labcorp
Classification: Uncertain significance. Last evaluated: 2022-06-24. Review status: criteria provided, single submitter. Criteria: Invitae Variant Classification Sherloc (09022015). Collection method: clinical testing. Allele origin: germline.
Comment: This sequence change replaces asparagine, which is neutral and polar, with serine, which is neutral and polar, at codon 316 of the CAD protein (p.Asn316Ser). This variant is present in population databases (rs776337242, gnomAD 0.006%). This variant has not been reported in the literature in individuals affected with CAD-related conditions. Algorithms developed to predict the effect of missense changes on protein structure and function are either unavailable or do not agree on the potential impact of this missense change (SIFT: "Deleterious"; PolyPhen-2: "Probably Damaging"; Align-GVGD: "Class C0"). Algorithms developed to predict the effect of sequence changes on RNA splicing suggest that this variant may create or strengthen a splice site. In summary, the available evidence is currently insufficient to determine the role of this variant in disease. Therefore, it has been classified as a Variant of Uncertain Significance.

NM_004341.5(CAD):c.947A>G (p.Asn316Ser)

Gene: CAD (carbamoyl-phosphate synthetase 2, aspartate transcarbamylase, and dihydroorotase; plus strand). Cytogenetic location: 2p23.3.
Variant type: single nucleotide variant.
Coding change: c.947A>G on transcript NM_004341.5 (MANE Select); coding-DNA position 947, A replaced by G.
Protein change: p.Asn316Ser; replaces asparagine 316 with serine.
Molecular consequence: missense variant.
Genome position (GRCh38, 1-based): chr2:27,223,700, A>G. VCF-style: chr2-27223700-A-G. GRCh37 (hg19) VCF-style: chr2-27446568-A-G.
Other names: c.947A>G (NM_004341.3); c.947A>G, p.Asn316Ser (NM_001306079.2); short protein forms N316S.
Identifiers: ClinVar variation 1415178 (VCV001415178.8), dbSNP rs776337242, ClinGen allele CA1572555.